The following is an entry in ClinVar:

ClinVar aggregate classification (germline): Uncertain significance (1 of 4 stars; one submission).

Submission:

Labcorp Genetics (formerly Invitae), Labcorp
Classification: Uncertain significance. Last evaluated: 2022-07-17. Review status: criteria provided, single submitter. Criteria: Invitae Variant Classification Sherloc (09022015). Collection method: clinical testing. Allele origin: germline.
Comment: This variant occurs in the RNU4ATAC gene, which encodes an RNA molecule that does not result in a protein product. This variant is present in population databases (no rsID available, gnomAD no frequency). This variant has not been reported in the literature in individuals affected with RNU4ATAC-related conditions. Experimental studies and prediction algorithms are not available or were not evaluated, and the functional significance of this variant is currently unknown. In summary, the available evidence is currently insufficient to determine the role of this variant in disease. Therefore, it has been classified as a Variant of Uncertain Significance.

NR_023343.3(RNU4ATAC):n.124dup

Genes: CLASP1 (cytoplasmic linker associated protein 1; minus strand), CLASP1-AS1 (CLASP1 antisense RNA 1; plus strand), RNU4ATAC (RNA, U4atac small nuclear; plus strand). Cytogenetic location: 2q14.2.
Variant type: Duplication.
Molecular consequence: intron variant (on NM_001395891.1).
Genome position: GRCh38 VCF-style: chr2-121531001-T-TG. GRCh37 (hg19) VCF-style: chr2-122288577-T-TG.
Other names: c.196-677dup (NM_001142274.2, NM_015282.3, NM_001378003.1 and 5 more transcripts).
Identifiers: ClinVar variation 1961939 (VCV001961939.2), dbSNP rs1487164913, ClinGen allele CA536071244.